The following is an entry in ClinVar:

NM_001384732.1(CPLANE1):c.4033C>T (p.Gln1345Ter)

Gene: CPLANE1 (ciliogenesis and planar polarity effector complex subunit 1; minus strand). Cytogenetic location: 5p13.2.
Variant type: single nucleotide variant.
Coding change: c.4033C>T on transcript NM_001384732.1 (MANE Select); coding-DNA position 4033, C replaced by T.
Protein change: p.Gln1345Ter; replaces glutamine 1345 with a stop codon.
Molecular consequence: nonsense.
Genome position (GRCh38, 1-based): chr5:37,187,461, G>A on the plus strand (C>T on the coding strand, the complement: CPLANE1 is on the minus strand). VCF-style: chr5-37187461-G-A. GRCh37 (hg19) VCF-style: chr5-37187563-G-A.
Other names: c.4033C>T, p.Gln1345Ter (NM_023073.4); short protein forms Q1345*.
Identifiers: ClinVar variation 3255190 (VCV003255190.1), dbSNP rs1408712462.

ClinVar aggregate classification (germline): Pathogenic (1 of 4 stars; one submission).

Conditions:
Joubert syndrome 17 (JBTS17). Identifiers: Orphanet 475, MedGen C3553264, MONDO:0013824, OMIM 614615.

Allele frequency attached by ClinVar (database versions not stated): gnomAD exomes below 0.00001.
gnomAD v4.1: 3 of 1,613,632 alleles (0.00019%); highest among the groups gnomAD compares: South Asian, 0.0022%; no homozygotes.

Submission:

Victorian Clinical Genetics Services, Murdoch Childrens Research Institute
Classification: Pathogenic for Joubert syndrome 17. Last evaluated: 2023-07-17. Review status: criteria provided, single submitter. Criteria: ACMG Guidelines, 2015. Collection method: clinical testing. Allele origin: germline. Inheritance: Autosomal recessive inheritance. Affected: yes.
Comment: Based on the classification scheme VCGS_Germline_v1.3.4, this variant is classified as Pathogenic. Following criteria are met: 0102 - Loss of function is a known mechanism of disease in this gene and is associated with Joubert syndrome 17 (MIM#614615) or orofaciodigital syndrome VI (MIM#277170). (I) 0106 - This gene is associated with autosomal recessive disease. (I) 0201 - Variant is predicted to cause nonsense-mediated decay (NMD) and loss of protein (premature termination codon is located at least 54 nucleotides upstream of the final exon-exon junction). (SP) 0251 - This variant is heterozygous. (I) 0304 - Variant is present in gnomAD (v2) <0.01 for a recessive condition (2 heterozygotes, 0 homozygotes). (SP) 0701 - Other NMD-predicted variants comparable to the one identified in this case have very strong previous evidence for pathogenicity. These variants have been reported as pathogenic, and observed in both compound heterozygous or homozygous individuals with either Joubert syndrome or orofaciodigital syndrome (PMID: 29605658, DECIPHER). (SP) 0807 - This variant has no previous evidence of pathogenicity. (I) 0905 - No published segregation evidence has been identified for this variant. (I) 1007 - No published functional evidence has been identified for this variant. (I) 1102 - Strong phenotype match for this individual. (SP) 1201 - Heterozygous variant detected in trans with a second likely pathogenic heterozygous variant (p.(Asn273His)) in a recessive disease. (I) Legend: (SP) - Supporting pathogenic, (I) - Information, (SB) - Supporting benign

Literature cited by the submitters: PubMed 29605658.